The following is an entry in ClinVar:

NM_032520.5(GNPTG):c.302A>G (p.Tyr101Cys)

Gene: GNPTG (N-acetylglucosamine-1-phosphate transferase subunit gamma; plus strand). Cytogenetic location: 16p13.3.
Variant type: single nucleotide variant.
Coding change: c.302A>G on transcript NM_032520.5 (MANE Select); coding-DNA position 302, A replaced by G.
Protein change: p.Tyr101Cys; replaces tyrosine 101 with cysteine.
Molecular consequence: missense variant.
Genome position (GRCh38, 1-based): chr16:1,361,940, A>G. VCF-style: chr16-1361940-A-G. GRCh37 (hg19) VCF-style: chr16-1411941-A-G.
Other names: short protein forms Y101C.
Identifiers: ClinVar variation 967579 (VCV000967579.7), dbSNP rs139385234, ClinGen allele CA7807593.

ClinVar aggregate classification (germline): Uncertain significance. Review status: criteria provided, multiple submitters, no conflicts (2 of 4 stars). 2 submissions from 2 submitters: Uncertain significance (2). Last evaluated 2025-11-03.

Conditions:
Inborn genetic diseases. Identifiers: MedGen C0950123, MeSH D030342.

Allele frequency attached by ClinVar (database versions not stated): TOPMed 0.00002; ExAC 0.00002; gnomAD exomes 0.00001 and 0.00002; ESP Exome Variant Server 0.00008; gnomAD 0.00005.
gnomAD v4.1: 18 of 1,613,472 alleles (0.0011%); highest among the groups gnomAD compares: Non-Finnish European, 0.0015%; no homozygotes.

Submissions (2):

Ambry Genetics
Classification: Uncertain significance for Inborn genetic diseases. Last evaluated: 2025-11-03. Review status: criteria provided, single submitter. Criteria: Ambry Variant Classification Scheme 2023. Collection method: clinical testing. Allele origin: germline.

Labcorp Genetics (formerly Invitae), Labcorp
Classification: Uncertain significance. Last evaluated: 2021-08-26. Review status: criteria provided, single submitter. Criteria: Invitae Variant Classification Sherloc (09022015). Collection method: clinical testing. Allele origin: germline.
Comment: This sequence change replaces tyrosine with cysteine at codon 101 of the GNPTG protein (p.Tyr101Cys). The tyrosine residue is highly conserved and there is a large physicochemical difference between tyrosine and cysteine. This variant is present in population databases (rs139385234, ExAC 0.003%). This variant has not been reported in the literature in individuals affected with GNPTG-related conditions. Algorithms developed to predict the effect of missense changes on protein structure and function are either unavailable or do not agree on the potential impact of this missense change (SIFT: "Deleterious"; PolyPhen-2: "Probably Damaging"; Align-GVGD: "Class C0"). In summary, the available evidence is currently insufficient to determine the role of this variant in disease. Therefore, it has been classified as a Variant of Uncertain Significance.